The following is an entry in ClinVar:

ClinVar aggregate classification (germline): Uncertain significance (1 of 4 stars; one submission).

Submission:

Labcorp Genetics (formerly Invitae), Labcorp
Classification: Uncertain significance. Last evaluated: 2025-08-03. Review status: criteria provided, single submitter. Criteria: Invitae Variant Classification Sherloc (09022015). Collection method: clinical testing. Allele origin: germline.
Comment: This sequence change replaces glutamine, which is neutral and polar, with histidine, which is basic and polar, at codon 568 of the LZTR1 protein (p.Gln568His). This variant is not present in population databases (gnomAD no frequency). This variant has not been reported in the literature in individuals affected with LZTR1-related conditions. ClinVar contains an entry for this variant (Variation ID: 1518448). Invitae Evidence Modeling of protein sequence and biophysical properties (such as structural, functional, and spatial information, amino acid conservation, physicochemical variation, residue mobility, and thermodynamic stability) indicates that this missense variant is not expected to disrupt LZTR1 protein function with a negative predictive value of 80%. In summary, the available evidence is currently insufficient to determine the role of this variant in disease. Therefore, it has been classified as a Variant of Uncertain Significance.

NM_006767.4(LZTR1):c.1704G>T (p.Gln568His)

Gene: LZTR1 (leucine zipper like post translational regulator 1; plus strand). Cytogenetic location: 22q11.21.
Variant type: single nucleotide variant.
Coding change: c.1704G>T on transcript NM_006767.4 (MANE Select); coding-DNA position 1704, G replaced by T.
Protein change: p.Gln568His; replaces glutamine 568 with histidine.
Molecular consequence: missense variant.
Genome position (GRCh38, 1-based): chr22:20,994,646, G>T. VCF-style: chr22-20994646-G-T. GRCh37 (hg19) VCF-style: chr22-21348935-G-T.
Other names: short protein forms Q568H.
Identifiers: ClinVar variation 1518448 (VCV001518448.8), dbSNP rs1569157304, ClinGen allele CA410777915.